The following is an entry in ClinVar:

NM_000397.4(CYBB):c.1532A>G (p.Tyr511Cys)

Gene: CYBB (cytochrome b-245 beta chain; plus strand). Cytogenetic location: Xp11.4.
Variant type: single nucleotide variant.
Coding change: c.1532A>G on transcript NM_000397.4 (MANE Select); coding-DNA position 1532, A replaced by G.
Protein change: p.Tyr511Cys; replaces tyrosine 511 with cysteine.
Molecular consequence: missense variant.
Genome position (GRCh38, 1-based): chrX:37,809,637, A>G. VCF-style: chrX-37809637-A-G. GRCh37 (hg19) VCF-style: chrX-37668890-A-G.
Other names: short protein forms Y511C.
Identifiers: ClinVar variation 2756336 (VCV002756336.3), dbSNP rs2519213359, ClinGen allele CA412978493.

ClinVar aggregate classification (germline): Uncertain significance (1 of 4 stars; one submission).

Conditions:
Granulomatous disease, chronic, X-linked. Also called: CYTOCHROME b-NEGATIVE GRANULOMATOUS DISEASE, CHRONIC, X-LINKED; GRANULOMATOUS DISEASE, CHRONIC, X-LINKED, SOMATIC MOSAIC. Identifiers: Orphanet 379, MedGen C1844376, MONDO:0010600, OMIM 306400.

Submission:

Labcorp Genetics (formerly Invitae), Labcorp
Classification: Uncertain significance for Granulomatous disease, chronic, X-linked. Last evaluated: 2023-08-29. Review status: criteria provided, single submitter. Criteria: Invitae Variant Classification Sherloc (09022015). Collection method: clinical testing. Allele origin: germline.
Comment: In summary, the available evidence is currently insufficient to determine the role of this variant in disease. Therefore, it has been classified as a Variant of Uncertain Significance. Advanced modeling of protein sequence and biophysical properties (such as structural, functional, and spatial information, amino acid conservation, physicochemical variation, residue mobility, and thermodynamic stability) performed at Invitae indicates that this missense variant is expected to disrupt CYBB protein function. This variant has not been reported in the literature in individuals affected with CYBB-related conditions. This variant is not present in population databases (gnomAD no frequency). This sequence change replaces tyrosine, which is neutral and polar, with cysteine, which is neutral and slightly polar, at codon 511 of the CYBB protein (p.Tyr511Cys).